The following is an entry in ClinVar:

ClinVar aggregate classification (germline): Uncertain significance (1 of 4 stars; one submission).

Conditions:
Severe combined immunodeficiency due to DNA-PKcs deficiency. Also called: IMMUNODEFICIENCY 26 WITH NEUROLOGIC ABNORMALITIES; Immunodeficiency 26 with or without neurologic abnormalities. Identifiers: Orphanet 317425, MedGen C4014833, MONDO:0014423, OMIM 615966.

Allele frequency attached by ClinVar (database versions not stated): gnomAD 0.00001; gnomAD exomes 0.00001; TOPMed 0.00002.
gnomAD v4.1: 9 of 1,580,690 alleles (0.00057%); highest among the groups gnomAD compares: African/African-American, 0.0027%; no homozygotes.

Submission:

Labcorp Genetics (formerly Invitae), Labcorp
Classification: Uncertain significance for Severe combined immunodeficiency due to DNA-PKcs deficiency. Last evaluated: 2021-12-23. Review status: criteria provided, single submitter. Criteria: Invitae Variant Classification Sherloc (09022015). Collection method: clinical testing. Allele origin: germline.
Comment: This sequence change replaces arginine, which is basic and polar, with cysteine, which is neutral and slightly polar, at codon 3763 of the PRKDC protein (p.Arg3763Cys). The frequency data for this variant in the population databases is considered unreliable, as metrics indicate poor data quality at this position in the gnomAD database. This variant has not been reported in the literature in individuals affected with PRKDC-related conditions. Experimental studies and prediction algorithms are not available or were not evaluated, and the functional significance of this variant is currently unknown. In summary, the available evidence is currently insufficient to determine the role of this variant in disease. Therefore, it has been classified as a Variant of Uncertain Significance.

NM_006904.7(PRKDC):c.11287C>T (p.Arg3763Cys)

Gene: PRKDC (protein kinase, DNA-activated, catalytic subunit; minus strand). Cytogenetic location: 8q11.21.
Variant type: single nucleotide variant.
Coding change: c.11287C>T on transcript NM_006904.7 (MANE Select); coding-DNA position 11287, C replaced by T.
Protein change: p.Arg3763Cys; replaces arginine 3763 with cysteine.
Molecular consequence: missense variant.
Genome position (GRCh38, 1-based): chr8:47,782,487, G>A on the plus strand (C>T on the coding strand, the complement: PRKDC is on the minus strand). VCF-style: chr8-47782487-G-A. GRCh37 (hg19) VCF-style: chr8-48695048-G-A.
Other names: c.11287C>T, p.Arg3763Cys (NM_001081640.2); short protein forms R3763C.
Identifiers: ClinVar variation 1380760 (VCV001380760.3), dbSNP rs1251759462, ClinGen allele CA371129931.
Genomic context (GRCh38, chr8:47,782,487, plus strand): 5'-GGCTGCAGGCGGAGTCTTGGGCCAGGATCCCATTCATGACCTGGAAGAGCTGCTCCACGC[G>A]CTGGTCCTGCCGCAGGTCCTCGCCACCCTTCACCAGGAAAGGGTGTTCCCTCTCGTCATG-3'
Protein context (NP_008835.5, residues 3753-3773): KGGEDLRQDQ[Arg3763Cys]VEQLFQVMNG